The following is an entry in ClinVar:

NM_181882.3(PRX):c.133C>G (p.Arg45Gly)

Genes: PRX (periaxin; minus strand), LOC130064454 (ATAC-STARR-seq lymphoblastoid active region 14650; plus strand). Cytogenetic location: 19q13.2.
Variant type: single nucleotide variant.
Coding change: c.133C>G on transcript NM_181882.3 (MANE Select); coding-DNA position 133, C replaced by G.
Protein change: p.Arg45Gly; replaces arginine 45 with glycine.
Molecular consequence: missense variant.
Genome position (GRCh38, 1-based): chr19:40,403,757, G>C on the plus strand (C>G on the coding strand, the complement: PRX is on the minus strand). VCF-style: chr19-40403757-G-C. GRCh37 (hg19) VCF-style: chr19-40909664-G-C.
Other names: p.Arg45Gly; c.133C>G, p.Arg45Gly (NM_020956.2); short protein forms R45G.
Identifiers: ClinVar variation 284652 (VCV000284652.30), dbSNP rs115090201, ClinGen allele CA9444577.

ClinVar aggregate classification (germline): Benign/Likely benign. Review status: criteria provided, multiple submitters, no conflicts (2 of 4 stars). 13 submissions from 13 submitters: Benign (9); Likely benign (1). 3 of the submissions do not count toward it. Last evaluated 2026-09-01.

Conditions:
PRX-related disorder. Also called: PRX-Related Disorders; PRX-related condition.
Charcot-Marie-Tooth disease. Also called: Charcot-Marie-Tooth Hereditary Neuropathy; Charcot-Marie-Tooth Neuropathy. Identifiers: Orphanet 166, MedGen C0007959, MONDO:0015626.
Charcot-Marie-Tooth disease type 4. Also called: Charcot-Marie-Tooth disease, type IV; Charcot-Marie-Tooth, Type 4. Identifiers: Orphanet 64749, MedGen C4082197, MONDO:0018995.
Charcot-Marie-Tooth disease type 4F. Also called: Charcot-Marie-Tooth disease, demyelinating, type 4F. Identifiers: Orphanet 99952, MedGen C3540453, MONDO:0013959, OMIM 614895.

Allele frequency attached by ClinVar (database versions not stated): gnomAD exomes 0.00153; ExAC 0.00398; ESP Exome Variant Server 0.00564; gnomAD 0.00569; TOPMed 0.00667; 1000 Genomes Project 0.00779; 1000 Genomes Project 30x 0.00859.

Submissions (13):

CeGaT Center for Human Genetics Tuebingen
Classification: Benign. Last evaluated: 2026-09-01. Review status: criteria provided, single submitter. Criteria: CeGaT Center For Human Genetics Tuebingen Variant Classification Criteria Version 2. Collection method: clinical testing. Allele origin: germline. Affected: yes. Observed: 1 variant allele.
Comment: PRX: BS1, BS2

Labcorp Genetics (formerly Invitae), Labcorp
Classification: Benign for Charcot-Marie-Tooth disease type 4. Last evaluated: 2025-12-23. Review status: criteria provided, single submitter. Criteria: Invitae Variant Classification Sherloc (09022015). Collection method: clinical testing. Allele origin: germline.

Genomic Medicine Center of Excellence, King Faisal Specialist Hospital and Research Centre
Classification: Likely benign. Last evaluated: 2025-08-18. Review status: criteria provided, single submitter. Criteria: ACMG Guidelines, 2015. Collection method: clinical testing. Allele origin: germline.

PreventionGenetics, part of Exact Sciences
Classification: Benign for PRX-related condition. Last evaluated: 2025-03-12. Review status: criteria provided, single submitter. Criteria: ACMG Guidelines, 2015. Collection method: clinical testing. Allele origin: germline.
Comment: This variant is classified as benign based on ACMG/AMP sequence variant interpretation guidelines (Richards et al. 2015 PMID: 25741868, with internal and published modifications).

Athena Diagnostics
Classification: Benign. Last evaluated: 2021-02-25. Review status: criteria provided, single submitter. Criteria: Athena Diagnostics criteria. Collection method: clinical testing. Allele origin: unknown.

GeneDx
Classification: Benign. Last evaluated: 2018-05-10. Review status: criteria provided, single submitter. Criteria: GeneDx Variant Classification Process June 2021. Collection method: clinical testing. Allele origin: germline. Affected: yes.
Comment: This variant is associated with the following publications: (PMID: 25164601)

Illumina Laboratory Services, Illumina
Classification: Benign for Charcot-Marie-Tooth disease type 4F. Last evaluated: 2018-01-13. Review status: criteria provided, single submitter. Criteria: ICSL Variant Classification Criteria 13 December 2019. Collection method: clinical testing. Allele origin: germline.
Comment: This variant was observed in the ICSL laboratory as part of a predisposition screen in an ostensibly healthy population. It had not been previously curated by ICSL or reported in the Human Gene Mutation Database (HGMD: prior to June 1st, 2018), and was therefore a candidate for classification through an automated scoring system. Utilizing variant allele frequency, disease prevalence and penetrance estimates, and inheritance mode, an automated score was calculated to assess if this variant is too frequent to cause the disease. Based on the score and internal cut-off values, a variant classified as benign is not then subjected to further curation. The score for this variant resulted in a classification of benign for this disease.

Mayo Clinic Laboratories, Mayo Clinic
Classification: Benign. Last evaluated: 2016-11-17. Review status: criteria provided, single submitter. Criteria: ACMG Guidelines, 2015. Collection method: clinical testing. Allele origin: germline. Observed: 7 variant alleles.

Eurofins Ntd Llc (ga)
Classification: Benign. Last evaluated: 2015-11-19. Review status: criteria provided, single submitter. Criteria: EGL Classification Definitions 2015. Collection method: clinical testing. Allele origin: germline. Observed: 1 variant allele, 1 homozygote.

Breakthrough Genomics
Classification: Benign. Review status: criteria provided, single submitter. Criteria: ACMG Guidelines, 2015. Collection method: not provided. Allele origin: germline. Inheritance: Autosomal recessive inheritance. Affected: yes.

Clinical Genetics DNA and cytogenetics Diagnostics Lab, Erasmus MC, Erasmus Medical Center
Classification: Benign. Review status: no assertion criteria provided. Collection method: clinical testing. Allele origin: germline. Affected: yes. Study: VKGL Data-share Consensus. Not counted in ClinVar's aggregate classification.

Clinical Genetics, Academic Medical Center
Classification: Likely benign. Review status: no assertion criteria provided. Collection method: clinical testing. Allele origin: germline. Affected: yes. Study: VKGL Data-share Consensus. Not counted in ClinVar's aggregate classification.

Inherited Neuropathy Consortium
Classification: Uncertain significance for Charcot-Marie-Tooth disease. Review status: no assertion criteria provided. Collection method: literature only. Allele origin: germline. Affected: yes. Not counted in ClinVar's aggregate classification.

Literature cited by the submitters: PubMed 25164601 (cited by Athena Diagnostics and Inherited Neuropathy Consortium).